The following is an entry in ClinVar:

NM_000038.6(APC):c.2496del (p.Ser833fs)

Gene: APC (APC regulator of Wnt signaling pathway; plus strand). Cytogenetic location: 5q22.2.
Variant type: Deletion.
Coding change: c.2496del on transcript NM_000038.6 (MANE Select); coding-DNA position 2496, one base deleted (C; older notation c.2496delC).
Protein change: p.Ser833fs; shifts the reading frame from serine 833.
Molecular consequence: frameshift variant. On other transcripts: non-coding transcript variant (2).
Genome position (GRCh38, 1-based): chr5:112,838,090, C deleted; the last of 3 consecutive C bases (chr5:112,838,088-112,838,090); deleting any one gives the same sequence. VCF-style (leftmost placement, unchanged base first): chr5-112838087-AC-A. GRCh37 (hg19) VCF-style: chr5-112173784-AC-A.
Other names: c.2496del, p.Ser833fs (NM_001127510.3, NM_001354895.2, NM_001407450.1); c.2442del, p.Ser815fs (NM_001127511.3); c.2550del, p.Ser851fs (NM_001354896.2, NM_001407447.1, NM_001407448.1 and 1 more transcripts); c.2526del, p.Ser843fs (NM_001354897.2); c.2421del, p.Ser808fs (NM_001354898.2); c.2412del, p.Ser805fs (NM_001354899.2); c.2373del, p.Ser792fs (NM_001354900.2); c.2319del, p.Ser774fs (NM_001354901.2, NM_001407453.1); and 11 more; short protein forms S449fs, S550fs, S673fs, S704fs, S707fs, S732fs, S742fs, S750fs.
Identifiers: ClinVar variation 2583899 (VCV002583899.2), dbSNP rs2533426606, ClinGen allele CA658760747.
Genomic context (GRCh38, chr5:112,838,087, plus strand): 5'-AGACAATTTTAATACTGGCAACATGACTGTCCTTTCACCATATTTGAATACTACAGTGTT[AC>A]CCAGCTCCTCTTCATCAAGAGGAAGCTTAGATAGTTCTCGTTCTGAAAAAGATAGAAGTT-3'

ClinVar aggregate classification (germline): Pathogenic (1 of 4 stars; one submission).

Conditions:
Familial adenomatous polyposis 1 (FAP1). Also called: FAMILIAL ADENOMATOUS POLYPOSIS 1, ATTENUATED; POLYPOSIS, ADENOMATOUS INTESTINAL. Identifiers: MedGen C2713442, MONDO:0021056, OMIM 175100. Disease mechanism: loss of function.

Submission:

Myriad Genetics, Inc.
Classification: Pathogenic for Familial adenomatous polyposis 1. Last evaluated: 2023-05-04. Review status: criteria provided, single submitter. Criteria: Myriad Autosomal Dominant, Autosomal Recessive and X-Linked Classification Criteria (2023). Collection method: clinical testing. Allele origin: unknown.
Comment: This variant is considered pathogenic. This variant creates a frameshift predicted to result in premature protein truncation.